The following is an entry in ClinVar:

NM_000179.3(MSH6):c.1754_1772del (p.Leu585fs)

Gene: MSH6 (mutS homolog 6; plus strand). Cytogenetic location: 2p16.3.
Variant type: Deletion.
Coding change: c.1754_1772del on transcript NM_000179.3 (MANE Select); coding-DNA positions 1754 to 1772, 19 bases deleted (TAGTGGCACACTATCCCCC).
Protein change: p.Leu585fs; shifts the reading frame from leucine 585.
Molecular consequence: frameshift variant. On other transcripts: non-coding transcript variant (4), intron variant (2).
Genome position (GRCh38, 1-based): chr2:47,799,737-47,799,755, TAGTGGCACACTATCCCCC deleted; deleting any 19 consecutive bases within chr2:47,799,736-47,799,755 gives the same sequence; the c. name uses the placement nearest the transcript's 3' end. VCF-style (leftmost placement, unchanged base first): chr2-47799735-TCTAGTGGCACACTATCCCC-T. GRCh37 (hg19) VCF-style: chr2-48026874-TCTAGTGGCACACTATCCCC-T.
Other names: c.1364_1382del, p.Leu455fs (NM_001281492.2); c.848_866del, p.Leu283fs (NM_001281493.2, NM_001281494.2, NM_001406811.1 and 6 more transcripts); c.1850_1868del, p.Leu617fs (NM_001406795.1, NM_001406802.1); c.1754_1772del, p.Leu585fs (NM_001406796.1, NM_001406798.1, NM_001406800.1 and 3 more transcripts); c.1457_1475del, p.Leu486fs (NM_001406797.1, NM_001406801.1, NM_001406805.1 and 10 more transcripts); c.1229_1247del, p.Leu410fs (NM_001406799.1, NM_001406806.1, NM_001406807.1); c.1676_1694del, p.Leu559fs (NM_001406804.1); c.1760_1778del, p.Leu587fs (NM_001406813.1); and 3 more; short protein forms L283fs, L410fs, L455fs, L486fs, L529fs, L559fs, L585fs, L587fs.
Identifiers: ClinVar variation 2673757 (VCV002673757.1), dbSNP rs2530628007, ClinGen allele CA2695200625.

ClinVar aggregate classification (germline): Pathogenic (1 of 4 stars; one submission).

Conditions:
Lynch syndrome 5 (LYNCH5). Also called: Colorectal cancer, hereditary nonpolyposis, type 5; Hereditary non-polyposis colorectal cancer, type 5. Identifiers: Orphanet 144, MedGen C1833477, MONDO:0013710, OMIM 614350. Disease mechanism: loss of function.

Submission:

Myriad Genetics, Inc.
Classification: Pathogenic for Lynch syndrome 5. Last evaluated: 2023-08-15. Review status: criteria provided, single submitter. Criteria: Myriad Autosomal Dominant, Autosomal Recessive and X-Linked Classification Criteria (2023). Collection method: clinical testing. Allele origin: unknown.
Comment: This variant is considered pathogenic. This variant creates a frameshift predicted to result in premature protein truncation.